The following is an entry in ClinVar:

NM_005228.5(EGFR):c.1304A>C (p.Gln435Pro)

Gene: EGFR (epidermal growth factor receptor; plus strand). Cytogenetic location: 7p11.2.
Variant type: single nucleotide variant.
Coding change: c.1304A>C on transcript NM_005228.5 (MANE Select); coding-DNA position 1304, A replaced by C.
Protein change: p.Gln435Pro; replaces glutamine 435 with proline.
Molecular consequence: missense variant.
Genome position (GRCh38, 1-based): chr7:55,160,144, A>C. VCF-style: chr7-55160144-A-C. GRCh37 (hg19) VCF-style: chr7-55227837-A-C.
Other names: c.1169A>C, p.Gln390Pro (NM_001346897.2, NM_001346899.2); c.1304A>C, p.Gln435Pro (NM_001346898.2, NM_201282.2, NM_201284.2); c.1145A>C, p.Gln382Pro (NM_001346900.2); c.503A>C, p.Gln168Pro (NM_001346941.2); short protein forms Q382P, Q168P, Q390P, Q435P.
Identifiers: ClinVar variation 2705246 (VCV002705246.3), dbSNP rs2128941287, ClinGen allele CA367579315.

ClinVar aggregate classification (germline): Uncertain significance (1 of 4 stars; one submission).

Conditions:
EGFR-related lung cancer (EGFR). Identifiers: MedGen CN130014.

Allele frequency attached by ClinVar (database versions not stated): gnomAD exomes below 0.00001.
gnomAD v4.1: 1 of 1,614,158 alleles (0.000062%); highest among the groups gnomAD compares: Non-Finnish European, 0.000085%; no homozygotes.

Submission:

Labcorp Genetics (formerly Invitae), Labcorp
Classification: Uncertain significance for EGFR-related lung cancer. Last evaluated: 2026-01-19. Review status: criteria provided, single submitter. Criteria: Invitae Variant Classification Sherloc (09022015). Collection method: clinical testing. Allele origin: germline.
Comment: This sequence change replaces glutamine, which is neutral and polar, with proline, which is neutral and non-polar, at codon 435 of the EGFR protein (p.Gln435Pro). This variant is not present in population databases (gnomAD no frequency). This variant has not been reported in the literature in individuals affected with EGFR-related conditions. ClinVar contains an entry for this variant (Variation ID: 2705246). Invitae Evidence Modeling of protein sequence and biophysical properties (such as structural, functional, and spatial information, amino acid conservation, physicochemical variation, residue mobility, and thermodynamic stability) indicates that this missense variant is not expected to disrupt EGFR protein function with a negative predictive value of 80%. Algorithms developed to predict the effect of sequence changes on RNA splicing suggest that this variant may disrupt the consensus splice site. In summary, the available evidence is currently insufficient to determine the role of this variant in disease. Therefore, it has been classified as a Variant of Uncertain Significance.